The following is an entry in ClinVar:

NM_006269.2(RP1):c.2585C>G (p.Ser862Ter)

Gene: RP1 (RP1 axonemal microtubule associated; plus strand). Cytogenetic location: 8q12.1.
Variant type: single nucleotide variant.
Coding change: c.2585C>G on transcript NM_006269.2 (MANE Select); coding-DNA position 2585, C replaced by G.
Protein change: p.Ser862Ter; replaces serine 862 with a stop codon.
Molecular consequence: nonsense.
Genome position (GRCh38, 1-based): chr8:54,626,467, C>G. VCF-style: chr8-54626467-C-G. GRCh37 (hg19) VCF-style: chr8-55539027-C-G.
Other names: short protein forms S862*.
Identifiers: ClinVar variation 636091 (VCV000636091.7), dbSNP rs1585563965, ClinGen allele CA370994169.

ClinVar aggregate classification (germline): Pathogenic/Likely pathogenic. Review status: criteria provided, multiple submitters, no conflicts (2 of 4 stars). 3 submissions from 3 submitters: Pathogenic (1); Likely pathogenic (1). 1 of the submissions does not count toward it. Last evaluated 2025-04-03.

Conditions:
Retinitis pigmentosa (RP). Identifiers: Orphanet 791, MedGen C0035334, MeSH D012174, MONDO:0019200, OMIM 268000. Inheritance: Autosomal dominant, autosomal recessive and X linked inheritance.

gnomAD v4.1: 1 of 1,613,594 alleles (0.000062%); highest among the groups gnomAD compares: South Asian, 0.0011%; no homozygotes.

Submissions (3):

Centre for Clinical Genetics and Genomic Diagnostics, Zealand University Hospital
Classification: Likely pathogenic. Last evaluated: 2025-04-03. Review status: criteria provided, single submitter. Criteria: ACMG Guidelines, 2015. Collection method: clinical testing. Allele origin: germline.

Labcorp Genetics (formerly Invitae), Labcorp
Classification: Pathogenic. Last evaluated: 2024-03-27. Review status: criteria provided, single submitter. Criteria: Invitae Variant Classification Sherloc (09022015). Collection method: clinical testing. Allele origin: germline.
Comment: This sequence change creates a premature translational stop signal (p.Ser862*) in the RP1 gene. While this is not anticipated to result in nonsense mediated decay, it is expected to disrupt the last 1295 amino acid(s) of the RP1 protein. This variant is not present in population databases (gnomAD no frequency). This premature translational stop signal has been observed in individual(s) with retinitis pigmentosa (PMID: 23950152, 30718709). ClinVar contains an entry for this variant (Variation ID: 636091). This variant disrupts the C-terminus of the RP1 protein. Many variants that disrupt this region have been reported in individuals with either autosomal dominant or autosomal recessive retinitis pigmentosa (PMID: 11527933, 19933189, 29425069, 30027431, 33681214). Therefore, variants that disrupt this region are expected to be disease-causing. For these reasons, this variant has been classified as Pathogenic.

Department of Clinical Genetics, Copenhagen University Hospital, Rigshospitalet
Classification: Pathogenic for Retinitis pigmentosa. Last evaluated: 2018-04-01. Review status: no assertion criteria provided. Collection method: research. Allele origin: unknown. Affected: yes. Study: VeluxRD. Not counted in ClinVar's aggregate classification.

Literature cited by the submitters: PubMed 23950152 (cited by Labcorp Genetics (formerly Invitae), Labcorp); PubMed 30718709 (cited by Labcorp Genetics (formerly Invitae), Labcorp and Department of Clinical Genetics, Copenhagen University Hospital, Rigshospitalet); PubMed 11527933 (cited by Labcorp Genetics (formerly Invitae), Labcorp); PubMed 19933189 (cited by Labcorp Genetics (formerly Invitae), Labcorp); PubMed 29425069 (cited by Labcorp Genetics (formerly Invitae), Labcorp); PubMed 30027431 (cited by Labcorp Genetics (formerly Invitae), Labcorp); PubMed 33681214 (cited by Labcorp Genetics (formerly Invitae), Labcorp).